The following is an entry in ClinVar:

ClinVar aggregate classification (germline): Uncertain significance (1 of 4 stars; one submission).

Conditions:
Hereditary cancer-predisposing syndrome. Also called: Neoplastic Syndromes, Hereditary; Hereditary Cancer Syndrome; Hereditary neoplastic syndrome; Tumor predisposition. Identifiers: Orphanet 140162, MedGen C0027672, MeSH D009386, MONDO:0015356.

Submission:

Ambry Genetics
Classification: Uncertain significance for Hereditary cancer-predisposing syndrome. Last evaluated: 2023-05-05. Review status: criteria provided, single submitter. Criteria: Ambry Variant Classification Scheme 2023. Collection method: clinical testing. Allele origin: germline.
Comment: The p.A551V variant (also known as c.1652C>T), located in coding exon 14 of the MRE11A gene, results from a C to T substitution at nucleotide position 1652. The alanine at codon 551 is replaced by valine, an amino acid with similar properties. This amino acid position is conserved. In addition, this alteration is predicted to be tolerated by in silico analysis. Since supporting evidence is limited at this time, the clinical significance of this alteration remains unclear.

NM_005591.4(MRE11):c.1652C>T (p.Ala551Val)

Gene: MRE11 (MRE11 double strand break repair nuclease; minus strand). Cytogenetic location: 11q21.
Variant type: single nucleotide variant.
Coding change: c.1652C>T on transcript NM_005591.4 (MANE Select); coding-DNA position 1652, C replaced by T.
Protein change: p.Ala551Val; replaces alanine 551 with valine.
Molecular consequence: missense variant.
Genome position (GRCh38, 1-based): chr11:94,447,350, G>A on the plus strand (C>T on the coding strand, the complement: MRE11 is on the minus strand). VCF-style: chr11-94447350-G-A. GRCh37 (hg19) VCF-style: chr11-94180516-G-A.
Other names: c.1652C>T, p.Ala551Val (NM_001330347.2, NM_005590.4); short protein forms A551V.
Identifiers: ClinVar variation 2565905 (VCV002565905.2), dbSNP rs2134908564, ClinGen allele CA382368477.